The following is an entry in ClinVar:

NM_030930.4(UNC93B1):c.871G>A (p.Val291Met)

Gene: UNC93B1 (unc-93B1 regulator of TLR signaling; minus strand). Cytogenetic location: 11q13.2.
Variant type: single nucleotide variant.
Coding change: c.871G>A on transcript NM_030930.4 (MANE Select); coding-DNA position 871, G replaced by A.
Protein change: p.Val291Met; replaces valine 291 with methionine.
Molecular consequence: missense variant.
Genome position (GRCh38, 1-based): chr11:67,997,710, C>T on the plus strand (G>A on the coding strand, the complement: UNC93B1 is on the minus strand). VCF-style: chr11-67997710-C-T. GRCh37 (hg19) VCF-style: chr11-67765180-C-T.
Other names: short protein forms V291M.
Identifiers: ClinVar variation 999497 (VCV000999497.7), dbSNP rs1486444865, ClinGen allele CA381573619.
Genomic context (GRCh38, chr11:67,997,710, plus strand): 5'-GTCCTGCCCCCATCCCGGGCCGCACCAGCAGCATGGCCAGGAAGGCCACTGCCATGAGCA[C>T]GCTCTCCACCACAATGAGGTTTCCGCTCCGCGGGAGCGTCCGCAGAACCGTCTTGTTGAA-3'
Protein context (NP_112192.2, residues 281-301): RSGNLIVVES[Val291Met]LMAVAFLAML

ClinVar aggregate classification (germline): Uncertain significance (1 of 4 stars; one submission).

Conditions:
Encephalopathy, acute, infection-induced (herpes-specific), susceptibility to, 1. Also called: Herpes simplex encephalitis, susceptibility to, 1. Identifiers: Orphanet 1930, MedGen C2750180, MONDO:0024563, OMIM 610551.

Allele frequency attached by ClinVar (database versions not stated): gnomAD 0.00001; TOPMed 0.00001.

Submission:

Labcorp Genetics (formerly Invitae), Labcorp
Classification: Uncertain significance for Encephalopathy, acute, infection-induced (herpes-specific), susceptibility to, 1. Last evaluated: 2025-06-10. Review status: criteria provided, single submitter. Criteria: Invitae Variant Classification Sherloc (09022015). Collection method: clinical testing. Allele origin: germline.
Comment: This sequence change replaces valine, which is neutral and non-polar, with methionine, which is neutral and non-polar, at codon 291 of the UNC93B1 protein (p.Val291Met). This variant is not present in population databases (gnomAD no frequency). This variant has not been reported in the literature in individuals affected with UNC93B1-related conditions. ClinVar contains an entry for this variant (Variation ID: 999497). Experimental studies and prediction algorithms are not available or were not evaluated, and the functional significance of this variant is currently unknown. In summary, the available evidence is currently insufficient to determine the role of this variant in disease. Therefore, it has been classified as a Variant of Uncertain Significance.